The following is an entry in ClinVar:

ClinVar aggregate classification (germline): Uncertain significance (1 of 4 stars; one submission).

Conditions:
SEMA3C-related disorder. Also called: SEMA3C-related condition.

Allele frequency attached by ClinVar (database versions not stated): ExAC 0.00007; gnomAD exomes 0.00008; gnomAD 0.00010; TOPMed 0.00014.
gnomAD v4.1: 137 of 1,613,890 alleles (0.0085%); highest among the groups gnomAD compares: Admixed American, 0.015%; no homozygotes.

Submission:

PreventionGenetics, part of Exact Sciences
Classification: Uncertain significance for SEMA3C-related condition. Last evaluated: 2025-06-03. Review status: criteria provided, single submitter. Criteria: ACMG Guidelines, 2015. Collection method: clinical testing. Allele origin: germline.
Comment: The SEMA3C c.1300A>G variant is predicted to result in the amino acid substitution p.Lys434Glu. To our knowledge, this variant has not been reported in the literature. This variant is reported in 0.025% of alleles in individuals of Latino descent in gnomAD. At this time, the clinical significance of this variant is uncertain due to the absence of conclusive functional and genetic evidence.

NM_006379.5(SEMA3C):c.1246A>G (p.Lys416Glu)

Gene: SEMA3C (semaphorin 3C; minus strand). Cytogenetic location: 7q21.11.
Variant type: single nucleotide variant.
Coding change: c.1246A>G on transcript NM_006379.5 (MANE Select); coding-DNA position 1246, A replaced by G.
Protein change: p.Lys416Glu; replaces lysine 416 with glutamic acid.
Molecular consequence: missense variant.
Genome position (GRCh38, 1-based): chr7:80,789,414, T>C on the plus strand (A>G on the coding strand, the complement: SEMA3C is on the minus strand). VCF-style: chr7-80789414-T-C. GRCh37 (hg19) VCF-style: chr7-80418730-T-C.
Other names: c.1300A>G, p.Lys434Glu (NM_001350120.2); c.1072A>G, p.Lys358Glu (NM_001350121.2); short protein forms K358E, K416E, K434E.
Identifiers: ClinVar variation 3031653 (VCV003031653.3), dbSNP rs749388453, ClinGen allele CA4316176.